The following is an entry in ClinVar:

NM_001943.5(DSG2):c.3140C>G (p.Thr1047Arg)

Genes: DSG2 (desmoglein 2; plus strand), DSG2-AS1 (DSG2 antisense RNA 1; minus strand). Cytogenetic location: 18q12.1.
Variant type: single nucleotide variant.
Coding change: c.3140C>G on transcript NM_001943.5 (MANE Select); coding-DNA position 3140, C replaced by G.
Protein change: p.Thr1047Arg; replaces threonine 1047 with arginine.
Molecular consequence: missense variant.
Genome position (GRCh38, 1-based): chr18:31,546,526, C>G. VCF-style: chr18-31546526-C-G. GRCh37 (hg19) VCF-style: chr18-29126489-C-G.
Other names: short protein forms T1047R.
Identifiers: ClinVar variation 44311 (VCV000044311.9), dbSNP rs397516707, ClinGen allele CA021997.

ClinVar aggregate classification (germline): Uncertain significance. Review status: criteria provided, multiple submitters, no conflicts (2 of 4 stars). 3 submissions from 3 submitters: Uncertain significance (2). 1 of the submissions does not count toward it. Last evaluated 2022-08-09.

Conditions:
Arrhythmogenic right ventricular dysplasia 10. Also called: Arrhythmogenic right ventricular dysplasia/cardiomyopathy, type 10; Arrhythmogenic Right Ventricular Dysplasia/Cardiomyopathy10; ARRHYTHMOGENIC RIGHT VENTRICULAR DYSPLASIA, FAMILIAL, 10. Identifiers: MedGen C1857777, MONDO:0012434, OMIM 610193.
Dilated cardiomyopathy 1BB (CMD1BB). Also called: CARDIOMYOPATHY, DILATED, 1BB, SUSCEPTIBILITY TO. Identifiers: Orphanet 154, MedGen C2752072, MONDO:0013030, OMIM 612877.

Submissions (3):

Labcorp Genetics (formerly Invitae), Labcorp
Classification: Uncertain significance for Arrhythmogenic right ventricular dysplasia 10. Last evaluated: 2022-08-09. Review status: criteria provided, single submitter. Criteria: Invitae Variant Classification Sherloc (09022015). Collection method: clinical testing. Allele origin: germline.
Comment: This sequence change replaces threonine, which is neutral and polar, with arginine, which is basic and polar, at codon 1047 of the DSG2 protein (p.Thr1047Arg). This variant is not present in population databases (gnomAD no frequency). This missense change has been observed in individual(s) with DSG2-related conditions (PMID: 20857253). ClinVar contains an entry for this variant (Variation ID: 44311). Algorithms developed to predict the effect of missense changes on protein structure and function are either unavailable or do not agree on the potential impact of this missense change (SIFT: "Deleterious"; PolyPhen-2: "Probably Damaging"; Align-GVGD: "Class C0"). Experimental studies are conflicting or provide insufficient evidence to determine the effect of this variant on DSG2 function (PMID: 23128240). In summary, the available evidence is currently insufficient to determine the role of this variant in disease. Therefore, it has been classified as a Variant of Uncertain Significance.

Fulgent Genetics
Classification: Uncertain significance for Arrhythmogenic right ventricular dysplasia 10; Dilated cardiomyopathy 1BB. Last evaluated: 2021-10-15. Review status: criteria provided, single submitter. Criteria: ACMG Guidelines, 2015. Collection method: clinical testing. Allele origin: unknown.

Laboratory for Molecular Medicine, Mass General Brigham Personalized Medicine
Classification: Uncertain significance. Last evaluated: 2008-05-23. Review status: no assertion criteria provided. Collection method: clinical testing. Allele origin: germline. Observed: 2 variant alleles. Not counted in ClinVar's aggregate classification.

Literature cited by the submitters: PubMed 20857253 (cited by Labcorp Genetics (formerly Invitae), Labcorp); PubMed 23128240 (cited by Labcorp Genetics (formerly Invitae), Labcorp).